The following is an entry in ClinVar:

ClinVar aggregate classification (germline): Conflicting classifications of pathogenicity. Review status: criteria provided, conflicting classifications (1 of 4 stars). 2 submissions from 2 submitters: Uncertain significance (1); Likely benign (1). Last evaluated 2022-09-01.

Submissions (2):

Labcorp Genetics (formerly Invitae), Labcorp
Classification: Likely benign. Last evaluated: 2022-09-01. Review status: criteria provided, single submitter. Criteria: Invitae Variant Classification Sherloc (09022015). Collection method: clinical testing. Allele origin: germline.

Illumina Laboratory Services, Illumina
Classification: Uncertain significance. Last evaluated: 2022-08-22. Review status: criteria provided, single submitter. Criteria: ICSL CNVClassificationCriteria Aug2020. Collection method: clinical testing. Allele origin: unknown. Affected: yes.
Comment: The COL2A1 c.970-5T>C variant occurs in a splice region and results in the substitution of a thymine at nucleotide position c.970-5 with a cytosine. To our knowledge, this variant has not been reported in the peer-reviewed literature. This variant is not found in version 2.1.1 or version 3.1.2 of the Genome Aggregation Database. A variant at a nearby residue, c.970-8T>G, has been reported in the literature in an affected individual (PMID: 35052477). The c.970-5T>C variant was identified in a de novo state. Based on the available evidence, the c.970-5T>C variant is classified as a variant of uncertain significance for COL2A1-related disorders.

Literature cited by the submitters: PubMed 35052477 (cited by Illumina Laboratory Services, Illumina).

NM_001844.5(COL2A1):c.970-5T>C

Gene: COL2A1 (collagen type II alpha 1 chain; minus strand). Cytogenetic location: 12q13.11.
Variant type: single nucleotide variant.
Coding change: c.970-5T>C on transcript NM_001844.5 (MANE Select); 5 bases into the intron before coding-DNA position 970, T replaced by C.
Molecular consequence: intron variant.
Genome position (GRCh38, 1-based): chr12:47,992,936, A>G on the plus strand (T>C on the coding strand, the complement: COL2A1 is on the minus strand). VCF-style: chr12-47992936-A-G. GRCh37 (hg19) VCF-style: chr12-48386719-A-G.
Other names: c.763-5T>C (NM_033150.3).
Identifiers: ClinVar variation 1134595 (VCV001134595.11), dbSNP rs2136605096, ClinGen allele CA2499221681.